The following is an entry in ClinVar:

ClinVar aggregate classification (germline): Pathogenic (1 of 4 stars; one submission).

Submission:

Quest Diagnostics Nichols Institute San Juan Capistrano
Classification: Pathogenic. Last evaluated: 2022-06-06. Review status: criteria provided, single submitter. Criteria: ACMG/ClinGen CNV Guidelines, 2019. Collection method: clinical testing. Allele origin: unknown.
Comment: The copy number loss of Xp11.4p11.3 involves multiple protein-coding genes, including NDP (OMIM 300658), MAOA (OMIM 309850), MAOB (OMIM 309860) and CASK (OMIM 300172), and is expected to cause phenotypic and/or developmental abnormalities. Loss-of-function variants of NDP are associated with X-linked Norrie disease (ND; OMIM 310600), which is characterized by very early childhood blindness due to degenerative and proliferative changes of the neuroretina. Missense and splicing variants of NDP are also associated with exudative vitreoretinopathy-2 (EVR2; OMIM 305390), which is characterized by the incomplete development of the retinal vasculature. In addition, missense, nonsense, and small frameshift variants of MAOA are associated with Brunner syndrome (BRNRS; OMIM 300615), which is characterized by impulsive aggressiveness and mild intellectual disability associated with MAOA deficiency. Deletions of MAOA and MAOB appear to be correlated with a phenotype involving intellectual disability, episodic hypotonia (resembling seizures but without EEG correlate), and anomalies in levels of catecholamines and their metabolites; affected individuals have also been reported with varying degrees of dysmorphic features and behavioral issues (O?Leary 2012, Saito 2014, Whibley 2010). Furthermore, heterozygous pathogenic variants and hemizygous deletions of CASK are associated with severe intellectual disability (ID), microcephaly and disproportionate pontine and cerebellar hypoplasia (MICPCH; OMIM 300749) in females. The clinical presentation in males could range from mild to very severe. It has been hypothesized that in males a complete lack of CASK could be associated with perinatal or early lethality, but pathogenic sequence variants of CASK have been associated with mild to severe X-related intellectual development disorder with or without nystagmus, microcephaly and other malformations, and FG syndrome-4 (FGS4; OMIM 300422), which is characterized by congenital hypotonia, constipation, behavioral disturbances, and dysmorphic features (Hayashi 2012, Piluso 2009, Zhang 2022). There are no similar copy number losses of this region in the general populations of the Database of Genomic Variants. Thus, based on current medical literature and gene content, this copy number variant (CNV) is classified as pathogenic. References: Hayashi et al., Hum Genet. 2012 Jan;131(1):99-110. PMID: 21735175. O' Leary et al., Eur J Med Genet. 2012 May;55(5):349-53. PMID: 22365943. Piluso et al., Am J Hum Genet. 2009 Feb;84(2):162-77. PMID: 19200522. Saito et al., Brain Dev. 2014 Jan;36(1):64-9. PMID: 23414621. Whibley et al., Eur J Hum Genet. 2010 Oct;18(10):1095-9. PMID: 20485326. Zhang et al., Ital J Pediatr. 2022 May 12;48(1):73. PMID: 35550617. Moog U, Kutsche K. CASK Disorders. 2013 Nov 26 [Updated 2020 May 21]. In: GeneReviews (available from an online resource ).

GRCh37/hg19 Xp11.4-11.3(chrX:41350855-44616591)x0

Genes: CASK (calcium/calmodulin dependent serine protein kinase; minus strand), EFHC2 (EF-hand domain containing 2; minus strand), FUNDC1 (FUN14 domain containing 1; minus strand), GPR34 (G protein-coupled receptor 34; plus strand), GPR82 (G protein-coupled receptor 82; plus strand) and 3 more. Cytogenetic location: Xp11.4-11.3.
Variant type: copy number loss.
Change: copy number 0 of chrX:41,350,855-44,616,591 (3.27 Mb, GRCh37 coordinates, 1-based), cytogenetic band Xp11.4-11.3.
Identifiers: ClinVar variation 1808692 (VCV001808692.1).